The following is an entry in ClinVar:

NM_000094.4(COL7A1):c.6226G>A (p.Gly2076Ser)

Gene: COL7A1 (collagen type VII alpha 1 chain; minus strand). Cytogenetic location: 3p21.31.
Variant type: single nucleotide variant.
Coding change: c.6226G>A on transcript NM_000094.4 (MANE Select); coding-DNA position 6226, G replaced by A.
Protein change: p.Gly2076Ser; replaces glycine 2076 with serine.
Molecular consequence: missense variant.
Genome position (GRCh38, 1-based): chr3:48,575,117, C>T on the plus strand (G>A on the coding strand, the complement: COL7A1 is on the minus strand). VCF-style: chr3-48575117-C-T. GRCh37 (hg19) VCF-style: chr3-48612550-C-T.
Other names: short protein forms G2076S.
Identifiers: ClinVar variation 2861748 (VCV002861748.3), dbSNP rs1483179702, ClinGen allele CA352662379.

ClinVar aggregate classification (germline): Likely pathogenic (1 of 4 stars; one submission).

Allele frequency attached by ClinVar (database versions not stated): gnomAD 0.00001.
gnomAD v4.1: 1 of 1,613,580 alleles (0.000062%); highest among the groups gnomAD compares: Non-Finnish European, 0.000085%; no homozygotes.

Submission:

Labcorp Genetics (formerly Invitae), Labcorp
Classification: Likely pathogenic. Last evaluated: 2024-04-10. Review status: criteria provided, single submitter. Criteria: Invitae Variant Classification Sherloc (09022015). Collection method: clinical testing. Allele origin: germline.
Comment: This sequence change replaces glycine, which is neutral and non-polar, with serine, which is neutral and polar, at codon 2076 of the COL7A1 protein (p.Gly2076Ser). This variant is present in population databases (no rsID available, gnomAD 0.007%). This variant has not been reported in the literature in individuals affected with COL7A1-related conditions. Advanced modeling of protein sequence and biophysical properties (such as structural, functional, and spatial information, amino acid conservation, physicochemical variation, residue mobility, and thermodynamic stability) performed at Invitae indicates that this missense variant is expected to disrupt COL7A1 protein function with a positive predictive value of 95%. This variant disrupts the triple helix domain of COL7A1. Glycine residues within the Gly-Xaa-Yaa repeats of the triple helix domain are required for the structure and stability of fibrillar collagens (PMID: 7695699, 8218237, 19344236), and variants at these glycine residues in COL7A1 are more frequently observed in individuals with disease than in the general population (PMID: 22058051). However, the clinical significance of this observation remains uncertain since only a limited number of affected individuals have been described to date. This variant disrupts the p.Gly2076 amino acid residue in COL7A1. Other variant(s) that disrupt this residue have been determined to be pathogenic (PMID: 9347800). This suggests that this residue is clinically significant, and that variants that disrupt this residue are likely to be disease-causing. In summary, the currently available evidence indicates that the variant is pathogenic, but additional data are needed to prove that conclusively. Therefore, this variant has been classified as Likely Pathogenic.

Literature cited by the submitters: PubMed 7695699; PubMed 8218237; PubMed 19344236; PubMed 22058051; PubMed 9347800.